The following is an entry in ClinVar:

NM_001271838.2(RSRC1):c.442G>T (p.Glu148Ter)

Gene: RSRC1 (arginine and serine rich coiled-coil 1; plus strand). Cytogenetic location: 3q25.32.
Variant type: single nucleotide variant.
Coding change: c.442G>T on transcript NM_001271838.2 (MANE Select); coding-DNA position 442, G replaced by T.
Protein change: p.Glu148Ter; replaces glutamic acid 148 with a stop codon.
Molecular consequence: nonsense. On other transcripts: intron variant (1).
Genome position (GRCh38, 1-based): chr3:158,203,193, G>T. VCF-style: chr3-158203193-G-T. GRCh37 (hg19) VCF-style: chr3-157920982-G-T.
Other names: c.442G>T, p.Glu148Ter (NM_016625.4); c.320+79202G>T (NM_001271834.2); short protein forms E148*.
Identifiers: ClinVar variation 4891474 (VCV004891474.1).

ClinVar aggregate classification (germline): Likely pathogenic (1 of 4 stars; one submission).

gnomAD v4.1: 13 of 1,611,748 alleles (0.00081%); highest among the groups gnomAD compares: Non-Finnish European, 0.0011%; no homozygotes.

Submission:

GeneDx
Classification: Likely pathogenic. Last evaluated: 2026-03-11. Review status: criteria provided, single submitter. Criteria: GeneDx Variant Classification Process June 2021. Collection method: clinical testing. Allele origin: germline.
Comment: Nonsense variant predicted to result in protein truncation or nonsense mediated decay in a gene for which loss of function is a known mechanism of disease; Not observed at significant frequency in large population cohorts (gnomAD); Has not been previously published as pathogenic or benign to our knowledge